The following is an entry in ClinVar:

NM_001034853.2(RPGR):c.2481AGAGGA[1] (p.Glu831_Glu832del)

Gene: RPGR (retinitis pigmentosa GTPase regulator; minus strand). Cytogenetic location: Xp11.4.
Variant type: Microsatellite.
Coding change: c.2481AGAGGA[1] on transcript NM_001034853.2 (MANE Select); one copy of the 6-base unit AGAGGA starting at c.2481; the reference has two copies in a row; one copy, 6 bases deleted; also written c.2487_2492del.
Protein change: p.Glu831_Glu832del.
Molecular consequence: inframe deletion. On other transcripts: intron variant (8).
Genome position (GRCh38, 1-based): chrX:38,286,507-38,286,512, TCCTCT deleted on the plus strand (AGAGGA on the coding strand, the reverse complement: RPGR is on the minus strand); deleting any 6 consecutive bases within chrX:38,286,507-38,286,521 gives the same sequence; the position shown is the placement nearest the transcript's 3' end. VCF-style (leftmost placement, unchanged base first): chrX-38286506-CTCCTCT-C. GRCh37 (hg19) VCF-style: chrX-38145759-CTCCTCT-C.
Other names: c.1569+4447_1569+4452del (NM_001367249.1, NM_001367250.1); c.1902+582_1902+587del (NM_001367245.1); c.1386+4447_1386+4452del (NM_001367251.1); c.1719+582_1719+587del (NM_001367246.1); c.1572+4447_1572+4452del (NM_001367247.1); c.1905+582_1905+587del (NM_000328.3); c.1602+4447_1602+4452del (NM_001367248.1); c.2487_2492del (NM_001034853.2).
Identifiers: ClinVar variation 2769495 (VCV002769495.4), dbSNP rs1224260017, ClinGen allele CA640956488.
Genomic context (GRCh38, chrX:38,286,506, plus strand): 5'-CTCTTCCCCCTCCCCTTCCTCCTCTTCCCCCTCCCCTTCCTCCTCTTCCCCCTCACCCTC[CTCCTCT>C]TCCTCTTCCCTCTCTCCTTTCCCCTCCTCTACTTCCCCTCCCTCTACTTCCCCTCCCTCC-3'

ClinVar aggregate classification (germline): Uncertain significance. Review status: criteria provided, multiple submitters, no conflicts (2 of 4 stars). 3 submissions from 3 submitters: Uncertain significance (3). Last evaluated 2024-03-19.

Conditions:
Primary ciliary dyskinesia. Also called: Ciliary dyskinesia. Identifiers: Orphanet 244, MedGen C0008780, MONDO:0016575, HP:0012265.
X-linked cone-rod dystrophy 1 (CORDX1). Identifiers: Orphanet 1872, MedGen C1844776, MONDO:0010566, OMIM 304020.

Submissions (3):

Intergen Genetics and Rare Diseases Diagnosis Center
Classification: Uncertain significance for X-linked cone-rod dystrophy 1. Last evaluated: 2024-03-19. Review status: criteria provided, single submitter. Criteria: ACMG Guidelines, 2015. Collection method: clinical testing. Allele origin: germline. Inheritance: X-linked inheritance. Observed: 1 heterozygote.

Labcorp Genetics (formerly Invitae), Labcorp
Classification: Uncertain significance for Primary ciliary dyskinesia. Last evaluated: 2023-06-27. Review status: criteria provided, single submitter. Criteria: Invitae Variant Classification Sherloc (09022015). Collection method: clinical testing. Allele origin: germline.
Comment: Experimental studies and prediction algorithms are not available or were not evaluated, and the functional significance of this variant is currently unknown. In summary, the available evidence is currently insufficient to determine the role of this variant in disease. Therefore, it has been classified as a Variant of Uncertain Significance. This variant has not been reported in the literature in individuals affected with RPGR (ORF15)-related conditions. The frequency data for this variant in the population databases is considered unreliable, as metrics indicate poor data quality at this position in the gnomAD database. This variant, c.2487_2492del, results in the deletion of 2 amino acid(s) of the RPGR (ORF15) protein (p.Glu831_Glu832del), but otherwise preserves the integrity of the reading frame.

Blueprint Genetics
Classification: Uncertain significance. Last evaluated: 2019-08-30. Review status: criteria provided, single submitter. Criteria: ACMG Guidelines, 2015. Collection method: clinical testing. Allele origin: germline.